The following is an entry in ClinVar:

NM_002579.3(PALM):c.244C>T (p.Arg82Trp)

Gene: PALM (paralemmin; plus strand). Cytogenetic location: 19p13.3.
Variant type: single nucleotide variant.
Coding change: c.244C>T on transcript NM_002579.3 (MANE Select); coding-DNA position 244, C replaced by T.
Protein change: p.Arg82Trp; replaces arginine 82 with tryptophan.
Molecular consequence: missense variant.
Genome position (GRCh38, 1-based): chr19:727,669, C>T. VCF-style: chr19-727669-C-T. GRCh37 (hg19) VCF-style: chr19-727669-C-T.
Other names: c.244C>T, p.Arg82Trp (NM_001040134.2); c.244C>T (NM_002579.2); short protein forms R82W.
Identifiers: ClinVar variation 2904625 (VCV002904625.4), dbSNP rs750941783, ClinGen allele CA9022473.

ClinVar aggregate classification (germline): Uncertain significance. Review status: criteria provided, multiple submitters, no conflicts (2 of 4 stars). 2 submissions from 2 submitters: Uncertain significance (2). Last evaluated 2025-12-16.

gnomAD v4.1: 64 of 1,565,280 alleles (0.0041%); highest among the groups gnomAD compares: African/African-American, 0.0054%; no homozygotes.

Submissions (2):

Ambry Genetics
Classification: Uncertain significance. Last evaluated: 2025-12-16. Review status: criteria provided, single submitter. Criteria: Ambry Variant Classification Scheme 2023. Collection method: clinical testing. Allele origin: germline.

Labcorp Genetics (formerly Invitae), Labcorp
Classification: Uncertain significance. Last evaluated: 2025-10-01. Review status: criteria provided, single submitter. Criteria: Invitae Variant Classification Sherloc (09022015). Collection method: clinical testing. Allele origin: germline.
Comment: This sequence change replaces arginine, which is basic and polar, with tryptophan, which is neutral and slightly polar, at codon 82 of the PALM protein (p.Arg82Trp). The frequency data for this variant in the population databases is considered unreliable, as metrics indicate poor data quality at this position in the gnomAD database. This variant has not been reported in the literature in individuals affected with PALM-related conditions. ClinVar contains an entry for this variant (Variation ID: 2904625). An algorithm developed to predict the effect of missense changes on protein structure and function (PolyPhen-2) suggests that this variant is likely to be disruptive. In summary, the available evidence is currently insufficient to determine the role of this variant in disease. Therefore, it has been classified as a Variant of Uncertain Significance.